The following is an entry in ClinVar:

ClinVar aggregate classification (germline): Conflicting classifications of pathogenicity. Review status: criteria provided, conflicting classifications (1 of 4 stars). 5 submissions from 5 submitters: Likely pathogenic (1); Uncertain significance (1). 3 of the submissions do not count toward it. Last evaluated 2023-05-04.

Conditions:
Hypogonadotropic hypogonadism 2 with or without anosmia (HH2). Also called: HYPOGONADOTROPIC HYPOGONADISM 2 WITHOUT ANOSMIA; HYPOGONADOTROPIC HYPOGONADISM 2 WITH OR WITHOUT ANOSMIA, SUSCEPTIBILITY TO; HYPOGONADOTROPIC HYPOGONADISM 2 WITHOUT ANOSMIA, SUSCEPTIBILITY TO; FGFR1-Related GnRH Deficiency (Kallmann Syndrome 2). Identifiers: Orphanet 478, MedGen C1563720, MONDO:0007844, OMIM 147950. Disease mechanism: loss of function.

Submissions (5):

Reproductive Endocrine Unit, Massachusetts General Hospital
Classification: Likely pathogenic for Hypogonadotropic hypogonadism 2 with or without anosmia. Last evaluated: 2023-05-04. Review status: criteria provided, single submitter. Criteria: ACMG Guidelines, 2015. Collection method: research. Allele origin: de novo. Affected: yes. Observed: 1 variant allele.

GeneDx
Classification: Uncertain significance. Last evaluated: 2021-03-15. Review status: criteria provided, single submitter. Criteria: GeneDx Variant Classification Process June 2021. Collection method: clinical testing. Allele origin: germline. Affected: yes.
Comment: Not observed in large population cohorts (Lek et al., 2016); In silico analysis supports that this missense variant has a deleterious effect on protein structure/function; This variant is associated with the following publications: (PMID: 32666525, 30098700)

Clinical Genetics DNA and cytogenetics Diagnostics Lab, Erasmus MC, Erasmus Medical Center
Classification: Likely pathogenic. Review status: no assertion criteria provided. Collection method: clinical testing. Allele origin: germline. Affected: yes. Study: VKGL Data-share Consensus. Not counted in ClinVar's aggregate classification.

Department of Urology, Tongji Hospital, Tongji Medical College, Huazhong University of Science and Technology
Classification: Likely pathogenic for Hypogonadotropic hypogonadism 2 with or without anosmia. Review status: no assertion criteria provided. Collection method: research. Allele origin: germline. Affected: yes. Not counted in ClinVar's aggregate classification.

Joint Genome Diagnostic Labs from Nijmegen and Maastricht, Radboudumc and MUMC+
Classification: Pathogenic. Review status: no assertion criteria provided. Collection method: clinical testing. Allele origin: germline. Affected: yes. Study: VKGL Data-share Consensus. Not counted in ClinVar's aggregate classification.

NM_023110.3(FGFR1):c.677G>A (p.Gly226Asp)

Gene: FGFR1 (fibroblast growth factor receptor 1; minus strand). Cytogenetic location: 8p11.23.
Variant type: single nucleotide variant.
Coding change: c.677G>A on transcript NM_023110.3 (MANE Select); coding-DNA position 677, G replaced by A.
Protein change: p.Gly226Asp; replaces glycine 226 with aspartic acid.
Molecular consequence: missense variant.
Genome position (GRCh38, 1-based): chr8:38,426,190, C>T on the plus strand (G>A on the coding strand, the complement: FGFR1 is on the minus strand). VCF-style: chr8-38426190-C-T. GRCh37 (hg19) VCF-style: chr8-38283708-C-T.
Other names: c.677G>A, p.Gly226Asp (NM_001174063.2); c.653G>A, p.Gly218Asp (NM_001174064.2); c.671G>A, p.Gly224Asp (NM_001174065.2, NM_001354367.2, NM_001354369.2 and 1 more transcripts); c.410G>A, p.Gly137Asp (NM_001174066.2, NM_023105.3); c.770G>A, p.Gly257Asp (NM_001174067.2); c.404G>A, p.Gly135Asp (NM_001354368.2, NM_001354370.2, NM_023106.3); short protein forms G135D, G137D, G218D, G224D, G226D, G257D.
Identifiers: ClinVar variation 974815 (VCV000974815.7), dbSNP rs1246231808, ClinGen allele CA370735353.
Genomic context (GRCh38, chr8:38,426,190, plus strand): 5'-TCCAGCTGGTATGTGTGGTTGATGCTGCCGTACTCATTCTCCACAATGCAGGTGTAGTTG[C>T]CCTTGTCAGAGGGCACCACAGAGTCCATTATGATGCTCCAGGTGGCATAACGGACCTGAG-3'
Protein context (NP_075598.2, residues 216-236): IMDSVVPSDK[Gly226Asp]NYTCIVENEY